The following is an entry in ClinVar:

NM_002294.3(LAMP2):c.*1096T>C

Gene: LAMP2 (lysosome associated membrane protein 2; minus strand). Cytogenetic location: Xq24.
Variant type: single nucleotide variant.
Coding change: c.*1096T>C on transcript NM_002294.3 (MANE Select); 1096 bases downstream of the stop codon, T replaced by C.
Molecular consequence: 3 prime UTR variant. On other transcripts: intron variant (1).
Genome position (GRCh38, 1-based): chrX:120,430,227, A>G on the plus strand (T>C on the coding strand, the complement: LAMP2 is on the minus strand). VCF-style: chrX-120430227-A-G. GRCh37 (hg19) VCF-style: chrX-119564082-A-G.
Other names: c.1094-1601T>C (NM_001122606.1).
Identifiers: ClinVar variation 367774 (VCV000367774.6), dbSNP rs5957382, ClinGen allele CA10651624.
Genomic context (GRCh38, chrX:120,430,227, plus strand): 5'-GTCTTCTAGTCTATTAAGCCTTCCTTCTTTATCTATGTTTCATGTCTGTGCTACTCTTAT[A>G]CCATGGAATATGCTTCAACAAGGGCTGATTATCTAGCTCATTTTAATGCCAACAGCTTCT-3'

ClinVar aggregate classification (germline): Benign (1 of 4 stars; one submission).

Conditions:
Danon disease. Also called: ANTOPOL DISEASE; PSEUDOGLYCOGENOSIS II; GSD IIb; LYSOSOMAL GLYCOGEN STORAGE DISEASE WITHOUT ACID MALTASE DEFICIENCY; Glycogen Storage Disease Type IIb. Identifiers: Orphanet 34587, MedGen C0878677, MONDO:0010281, OMIM 300257.

Allele frequency attached by ClinVar (database versions not stated): gnomAD exomes 0.00523; gnomAD 0.06374 and 0.06824; 1000 Genomes Project 0.06967; 1000 Genomes Project 30x 0.07326; TOPMed 0.07417.
gnomAD v4.1: 10,612 of 752,695 alleles (1.4%); highest among the groups gnomAD compares: African/African-American, 22%; 757 homozygotes.

Submission:

Illumina Laboratory Services, Illumina
Classification: Benign for Danon disease. Last evaluated: 2018-01-13. Review status: criteria provided, single submitter. Criteria: ICSL Variant Classification Criteria 13 December 2019. Collection method: clinical testing. Allele origin: germline.
Comment: This variant was observed in the ICSL laboratory as part of a predisposition screen in an ostensibly healthy population. It had not been previously curated by ICSL or reported in the Human Gene Mutation Database (HGMD: prior to June 1st, 2018), and was therefore a candidate for classification through an automated scoring system. Utilizing variant allele frequency, disease prevalence and penetrance estimates, and inheritance mode, an automated score was calculated to assess if this variant is too frequent to cause the disease. Based on the score and internal cut-off values, a variant classified as benign is not then subjected to further curation. The score for this variant resulted in a classification of benign for this disease.